The following is an entry in ClinVar:

NM_016098.4(MPC1):c.252C>T (p.His84=)

Gene: MPC1 (mitochondrial pyruvate carrier 1; minus strand). Cytogenetic location: 6q27.
Variant type: single nucleotide variant.
Coding change: c.252C>T on transcript NM_016098.4 (MANE Select); coding-DNA position 252, C replaced by T.
Protein change: p.His84=; no amino-acid change (histidine 84 retained).
Molecular consequence: synonymous variant. On other transcripts: missense variant (1), non-coding transcript variant (4).
Genome position (GRCh38, 1-based): chr6:166,366,027, G>A on the plus strand (C>T on the coding strand, the complement: MPC1 is on the minus strand). VCF-style: chr6-166366027-G-A. GRCh37 (hg19) VCF-style: chr6-166779515-G-A.
Other names: c.123C>T, p.His41= (NM_001270879.2, NM_001376565.1, NM_001376566.1 and 2 more transcripts); c.202C>T, p.Arg68Cys (NM_001376569.1); short protein forms R68C.
Identifiers: ClinVar variation 3045109 (VCV003045109.2), dbSNP rs563491884, ClinGen allele CA4093618.

ClinVar aggregate classification (germline): Likely benign (0 of 4 stars; one submission).

Conditions:
MPC1-related disorder. Also called: MPC1-related condition.

Allele frequency attached by ClinVar (database versions not stated): ExAC 0.00007.
gnomAD v4.1: 51 of 1,613,594 alleles (0.0032%); highest among the groups gnomAD compares: South Asian, 0.02%; 1 homozygote.

Submission:

PreventionGenetics, part of Exact Sciences
Classification: Likely benign for MPC1-related condition. Last evaluated: 2019-10-21. Review status: no assertion criteria provided. Collection method: clinical testing. Allele origin: germline.
Comment: This variant is classified as likely benign based on ACMG/AMP sequence variant interpretation guidelines (Richards et al. 2015 PMID: 25741868, with internal and published modifications).